The following is an entry in ClinVar:

NM_004448.4(ERBB2):c.1326G>T (p.Ser442=)

Gene: ERBB2 (erb-b2 receptor tyrosine kinase 2; plus strand). Cytogenetic location: 17q12.
Variant type: single nucleotide variant.
Coding change: c.1326G>T on transcript NM_004448.4 (MANE Select); coding-DNA position 1326, G replaced by T.
Protein change: p.Ser442=; no amino-acid change (serine 442 retained).
Molecular consequence: synonymous variant. On other transcripts: non-coding transcript variant (1), intron variant (1).
Genome position (GRCh38, 1-based): chr17:39,715,752, G>T. VCF-style: chr17-39715752-G-T. GRCh37 (hg19) VCF-style: chr17-37872005-G-T.
Other names: c.1236G>T, p.Ser412= (NM_001005862.3, NM_001289938.2, NM_001382782.1 and 1 more transcripts); c.1281G>T, p.Ser427= (NM_001289936.2); c.1326G>T, p.Ser442= (NM_001289937.2, NM_001382785.1, NM_001382788.1 and 12 more transcripts); c.1443G>T, p.Ser481= (NM_001382784.1, NM_001382786.1); c.1401G>T, p.Ser467= (NM_001382787.1); c.1347G>T, p.Ser449= (NM_001382789.1); c.1317G>T, p.Ser439= (NM_001382791.1); c.1146G>T, p.Ser382= (NM_001382799.1); and 3 more.
Identifiers: ClinVar variation 707962 (VCV000707962.20), dbSNP rs4252632, ClinGen allele CA8533964.

ClinVar aggregate classification (germline): Benign. Review status: criteria provided, multiple submitters, no conflicts (2 of 4 stars). 3 submissions from 3 submitters: Benign (3). Last evaluated 2025-12-31.

Allele frequency attached by ClinVar (database versions not stated): ExAC 0.00278; gnomAD 0.00787; TOPMed 0.00870; ESP Exome Variant Server 0.00884; 1000 Genomes Project 0.00958; 1000 Genomes Project 30x 0.00999.
gnomAD v4.1: 2,417 of 1,606,556 alleles (0.15%); highest among the groups gnomAD compares: African/African-American, 2.7%; 23 homozygotes.

Submissions (3):

Labcorp Genetics (formerly Invitae), Labcorp
Classification: Benign. Last evaluated: 2025-12-31. Review status: criteria provided, single submitter. Criteria: Invitae Variant Classification Sherloc (09022015). Collection method: clinical testing. Allele origin: germline.

CeGaT Center for Human Genetics Tuebingen
Classification: Benign. Last evaluated: 2025-07-01. Review status: criteria provided, single submitter. Criteria: CeGaT Center For Human Genetics Tuebingen Variant Classification Criteria Version 2. Collection method: clinical testing. Allele origin: germline. Affected: yes. Observed: 1 variant allele.
Comment: ERBB2: BP4, BP7, BS1, BS2

Breakthrough Genomics
Classification: Benign. Review status: criteria provided, single submitter. Criteria: ACMG Guidelines, 2015. Collection method: not provided. Allele origin: germline. Inheritance: Autosomal recessive inheritance. Affected: yes.